The following is an entry in ClinVar:

ClinVar aggregate classification (germline): Uncertain significance. Review status: criteria provided, multiple submitters, no conflicts (2 of 4 stars). 2 submissions from 2 submitters: Uncertain significance (2). Last evaluated 2022-04-07.

Conditions:
Poikiloderma with neutropenia (PN). Identifiers: Orphanet 221046, MedGen C1858723, MONDO:0011405, OMIM 604173.

Allele frequency attached by ClinVar (database versions not stated): ExAC 0.00002; gnomAD exomes 0.00003.

Submissions (2):

Fulgent Genetics
Classification: Uncertain significance for Poikiloderma with neutropenia. Last evaluated: 2022-04-07. Review status: criteria provided, single submitter. Criteria: ACMG Guidelines, 2015. Collection method: clinical testing. Allele origin: unknown.

Labcorp Genetics (formerly Invitae), Labcorp
Classification: Uncertain significance. Last evaluated: 2021-09-02. Review status: criteria provided, single submitter. Criteria: Invitae Variant Classification Sherloc (09022015). Collection method: clinical testing. Allele origin: germline.
Comment: This sequence change affects the initiator methionine of the USB1 mRNA. The next in-frame methionine is located at codon 22. This variant is present in population databases (rs760648279, ExAC 0.004%). This variant has not been reported in the literature in individuals affected with USB1-related conditions. Algorithms developed to predict the effect of sequence changes on RNA splicing suggest that this variant may create or strengthen a splice site. In summary, the available evidence is currently insufficient to determine the role of this variant in disease. Therefore, it has been classified as a Variant of Uncertain Significance.

NM_024598.4(USB1):c.1A>G (p.Met1Val)

Genes: USB1 (U6 snRNA biogenesis phosphodiesterase 1; plus strand), LOC112469011 (Sharpr-MPRA regulatory region 3942; plus strand). Cytogenetic location: 16q21.
Variant type: single nucleotide variant.
Coding change: c.1A>G on transcript NM_024598.4 (MANE Select); coding-DNA position 1, A replaced by G.
Protein change: p.Met1Val; changes the start codon (methionine 1).
Molecular consequence: missense variant, initiator codon variant. On other transcripts: intron variant (1).
Genome position (GRCh38, 1-based): chr16:58,001,484, A>G. VCF-style: chr16-58001484-A-G. GRCh37 (hg19) VCF-style: chr16-58035388-A-G.
Other names: c.1A>G, p.Met1Val (NM_001195302.2, NM_001204911.2, NM_001330569.2); c.-55-995A>G (NM_001330568.2); short protein forms M1V.
Identifiers: ClinVar variation 1444921 (VCV001444921.6), dbSNP rs760648279, ClinGen allele CA8084763.
Genomic context (GRCh38, chr16:58,001,484, plus strand): 5'-ACTCCGGGTGCCGGTTGAGGTTGCTGGTGGACCTGCTCTGGTGGTCTTGGATGAGGCCCC[A>G]TGAGCGCGGCGCCCCTGGTGGGCTACAGCAGCAGCGGCTCCGAGGATGAGTCCGAGGACG-3'
Protein context (NP_078874.2, residues 1-11): [Met1Val]SAAPLVGYSS